The following is an entry in ClinVar:

NM_022464.5(SIL1):c.1094G>A (p.Arg365His)

Gene: SIL1 (SIL1 nucleotide exchange factor; minus strand). Cytogenetic location: 5q31.2.
Variant type: single nucleotide variant.
Coding change: c.1094G>A on transcript NM_022464.5 (MANE Select); coding-DNA position 1094, G replaced by A.
Protein change: p.Arg365His; replaces arginine 365 with histidine.
Molecular consequence: missense variant.
Genome position (GRCh38, 1-based): chr5:138,947,409, C>T on the plus strand (G>A on the coding strand, the complement: SIL1 is on the minus strand). VCF-style: chr5-138947409-C-T. GRCh37 (hg19) VCF-style: chr5-138283098-C-T.
Other names: c.1094G>A (NM_022464.4); c.1094G>A, p.Arg365His (NM_001037633.2); short protein forms R365H.
Identifiers: ClinVar variation 2110690 (VCV002110690.5), dbSNP rs543083009, ClinGen allele CA3432369.

ClinVar aggregate classification (germline): Uncertain significance. Review status: criteria provided, multiple submitters, no conflicts (2 of 4 stars). 3 submissions from 3 submitters: Uncertain significance (3). Last evaluated 2023-07-25.

Conditions:
Marinesco-Sjögren syndrome (MSS). Also called: Marinesco-SjÃ¶gren syndrome; Marinesco-Sjogren Syndrome. Identifiers: Orphanet 559, MedGen C0024814, MONDO:0009567, OMIM 248800.

Allele frequency attached by ClinVar (database versions not stated): ExAC 0.00001; TOPMed 0.00002; gnomAD 0.00004; 1000 Genomes Project 30x 0.00016.
gnomAD v4.1: 48 of 1,613,582 alleles (0.003%); highest among the groups gnomAD compares: East Asian, 0.0045%; no homozygotes.

Submissions (3):

Athena Diagnostics
Classification: Uncertain significance. Last evaluated: 2023-07-25. Review status: criteria provided, single submitter. Criteria: Athena Diagnostics Criteria. Collection method: clinical testing. Allele origin: unknown.
Comment: Available data are insufficient to determine the clinical significance of the variant at this time. The frequency of this variant in the general population is uninformative in assessment of its pathogenicity. Computational tools disagree on the variant's effect on normal protein function.

Revvity Omics, Revvity
Classification: Uncertain significance for Marinesco-Sjögren syndrome. Last evaluated: 2022-10-31. Review status: criteria provided, single submitter. Criteria: ACMG Guidelines, 2015. Collection method: clinical testing. Allele origin: germline.

Labcorp Genetics (formerly Invitae), Labcorp
Classification: Uncertain significance for Marinesco-Sjögren syndrome. Last evaluated: 2022-01-25. Review status: criteria provided, single submitter. Criteria: Invitae Variant Classification Sherloc (09022015). Collection method: clinical testing. Allele origin: germline.
Comment: This sequence change replaces arginine, which is basic and polar, with histidine, which is basic and polar, at codon 365 of the SIL1 protein (p.Arg365His). This variant is present in population databases (rs543083009, gnomAD 0.01%). This variant has not been reported in the literature in individuals affected with SIL1-related conditions. Algorithms developed to predict the effect of missense changes on protein structure and function are either unavailable or do not agree on the potential impact of this missense change (SIFT: "Tolerated"; PolyPhen-2: "Probably Damaging"; Align-GVGD: "Class C0"). In summary, the available evidence is currently insufficient to determine the role of this variant in disease. Therefore, it has been classified as a Variant of Uncertain Significance.